The following is an entry in ClinVar:

NM_004628.5(XPC):c.*96C>G

Gene: XPC (XPC complex subunit, DNA damage recognition and repair factor; minus strand). Cytogenetic location: 3p25.1.
Variant type: single nucleotide variant.
Coding change: c.*96C>G on transcript NM_004628.5 (MANE Select); 96 bases downstream of the stop codon, C replaced by G.
Molecular consequence: 3 prime UTR variant. On other transcripts: non-coding transcript variant (2).
Genome position (GRCh38, 1-based): chr3:14,145,845, G>C on the plus strand (C>G on the coding strand, the complement: XPC is on the minus strand). VCF-style: chr3-14145845-G-C. GRCh37 (hg19) VCF-style: chr3-14187345-G-C.
Other names: c.*96C>G (NM_001354726.2, NM_001354727.2, NM_001354729.2 and 1 more transcripts).
Identifiers: ClinVar variation 343560 (VCV000343560.11), dbSNP rs2229090, ClinGen allele CA2266996.

ClinVar aggregate classification (germline): Benign/Likely benign. Review status: criteria provided, multiple submitters, no conflicts (2 of 4 stars). 5 submissions from 5 submitters: Benign (3); Likely benign (1). 1 of the submissions does not count toward it. Last evaluated 2021-12-05.

Conditions:
Xeroderma pigmentosum, group C (XPC). Also called: Xeroderma pigmentosum, complementation group C; XERODERMA PIGMENTOSUM III; XP, GROUP C; XPC-Related Xeroderma Pigmentosum. Identifiers: Orphanet 910, MedGen C2752147, MONDO:0010211, OMIM 278720.

Allele frequency attached by ClinVar (database versions not stated): TOPMed 0.21496; gnomAD 0.22357 and 0.22489; gnomAD exomes 0.24935 and 0.25334; 1000 Genomes Project 30x 0.25000; 1000 Genomes Project 0.25499; ExAC 0.35332.
gnomAD v4.1: 365,727 of 1,460,900 alleles (25%); highest among the groups gnomAD compares: East Asian, 38%; 47,839 homozygotes.

Submissions (5):

Genome-Nilou Lab
Classification: Benign for Xeroderma pigmentosum, group C. Last evaluated: 2021-12-05. Review status: criteria provided, single submitter. Criteria: ACMG Guidelines, 2015. Collection method: clinical testing. Allele origin: germline. Affected: no.

GeneDx
Classification: Benign. Last evaluated: 2019-02-07. Review status: criteria provided, single submitter. Criteria: GeneDx Variant Classification Process June 2021. Collection method: clinical testing. Allele origin: germline. Affected: yes.

Illumina Laboratory Services, Illumina
Classification: Benign for Xeroderma pigmentosum, group C. Last evaluated: 2018-01-13. Review status: criteria provided, single submitter. Criteria: ICSL Variant Classification Criteria 13 December 2019. Collection method: clinical testing. Allele origin: germline.
Comment: This variant was observed in the ICSL laboratory as part of a predisposition screen in an ostensibly healthy population. It had not been previously curated by ICSL or reported in the Human Gene Mutation Database (HGMD: prior to June 1st, 2018), and was therefore a candidate for classification through an automated scoring system. Utilizing variant allele frequency, disease prevalence and penetrance estimates, and inheritance mode, an automated score was calculated to assess if this variant is too frequent to cause the disease. Based on the score and internal cut-off values, a variant classified as benign is not then subjected to further curation. The score for this variant resulted in a classification of benign for this disease.

Breakthrough Genomics
Classification: Likely benign. Review status: criteria provided, single submitter. Criteria: ACMG Guidelines, 2015. Collection method: not provided. Allele origin: germline. Inheritance: Autosomal recessive inheritance. Affected: yes.

Counsyl
Classification: Benign for Xeroderma pigmentosum, group C. Last evaluated: 2017-04-26. Review status: no assertion criteria provided. Collection method: clinical testing. Allele origin: unknown. Not counted in ClinVar's aggregate classification.